The following is an entry in ClinVar:

ClinVar aggregate classification (germline): Uncertain significance (1 of 4 stars; one submission).

Conditions:
Bardet-Biedl syndrome (BBS). Identifiers: Orphanet 110, MedGen C0752166, MONDO:0015229.

gnomAD v4.1: 3 of 1,613,864 alleles (0.00019%); highest among the groups gnomAD compares: South Asian, 0.0033%; no homozygotes.

Submission:

Labcorp Genetics (formerly Invitae), Labcorp
Classification: Uncertain significance for Bardet-Biedl syndrome. Last evaluated: 2022-09-26. Review status: criteria provided, single submitter. Criteria: Invitae Variant Classification Sherloc (09022015). Collection method: clinical testing. Allele origin: germline.
Comment: In summary, the available evidence is currently insufficient to determine the role of this variant in disease. Therefore, it has been classified as a Variant of Uncertain Significance. Advanced modeling of protein sequence and biophysical properties (such as structural, functional, and spatial information, amino acid conservation, physicochemical variation, residue mobility, and thermodynamic stability) performed at Invitae indicates that this missense variant is not expected to disrupt BBS2 protein function. This variant has not been reported in the literature in individuals affected with BBS2-related conditions. This variant is present in population databases (no rsID available, gnomAD 0.003%). This sequence change replaces arginine, which is basic and polar, with glycine, which is neutral and non-polar, at codon 17 of the BBS2 protein (p.Arg17Gly).

NM_031885.5(BBS2):c.49C>G (p.Arg17Gly)

Gene: BBS2 (Bardet-Biedl syndrome 2; minus strand). Cytogenetic location: 16q13.
Variant type: single nucleotide variant.
Coding change: c.49C>G on transcript NM_031885.5 (MANE Select); coding-DNA position 49, C replaced by G.
Protein change: p.Arg17Gly; replaces arginine 17 with glycine.
Molecular consequence: missense variant. On other transcripts: non-coding transcript variant (5).
Genome position (GRCh38, 1-based): chr16:56,519,814, G>C on the plus strand (C>G on the coding strand, the complement: BBS2 is on the minus strand). VCF-style: chr16-56519814-G-C. GRCh37 (hg19) VCF-style: chr16-56553726-G-C.
Other names: c.49C>G, p.Arg17Gly (NM_001377456.1); short protein forms R17G.
Identifiers: ClinVar variation 2418914 (VCV002418914.3), dbSNP rs1398091050, ClinGen allele CA395988179.